The following is an entry in ClinVar:

ClinVar aggregate classification (germline): Uncertain significance (1 of 4 stars; one submission).

Conditions:
Familial hypokalemia-hypomagnesemia (GTLMNS). Also called: HYPOMAGNESEMIA-HYPOKALEMIA, PRIMARY RENOTUBULAR, WITH HYPOCALCIURIA; POTASSIUM AND MAGNESIUM DEPLETION; gitelman syndrome. Identifiers: Orphanet 358, MedGen C0268450, MONDO:0009904, OMIM 263800.

gnomAD v4.1: 1 of 1,609,582 alleles (0.000062%); highest among the groups gnomAD compares: Non-Finnish European, 0.000085%; no homozygotes.

Submission:

Victorian Clinical Genetics Services, Murdoch Childrens Research Institute
Classification: Uncertain significance for Familial hypokalemia-hypomagnesemia. Last evaluated: 2023-07-17. Review status: criteria provided, single submitter. Criteria: ACMG Guidelines, 2015. Collection method: clinical testing. Allele origin: germline. Inheritance: Autosomal recessive inheritance. Affected: yes.
Comment: Based on the classification scheme VCGS_Germline_v1.3.4, this variant is classified as VUS-3A. Following criteria are met: 0102 - Loss of function is a known mechanism of disease in this gene and is associated with Gitelman syndrome (MIM#263800). (I) 0106 - This gene is associated with autosomal recessive disease. (I) 0200 - Variant is predicted to result in a missense amino acid change from isoleucine to asparagine. (I) 0251 - This variant is heterozygous. (I) 0301 - Variant is absent from gnomAD (both v2 and v3). (SP) 0309 - An alternative amino acid change at the same position has been observed in gnomAD (v2) (1 heterozygote, 0 homozygotes). (I) 0501 - Missense variant consistently predicted to be damaging by multiple in silico tools or highly conserved with a major amino acid change. (SP) 0600 - Variant is located in the annotated amino acid permease domain (DECIPHER). (I) 0705 - No comparable missense variants have previous evidence for pathogenicity. (I) 0807 - This variant has no previous evidence of pathogenicity. (I) 0905 - No published segregation evidence has been identified for this variant. (I) 1007 - No published functional evidence has been identified for this variant. (I) 1101 - Very strong and specific phenotype match for this individual. (SP) 1208 - Inheritance information for this variant is not currently available in this individual. (I) Legend: (SP) - Supporting pathogenic, (I) - Information, (SB) - Supporting benign

NM_001126108.2(SLC12A3):c.1178T>A (p.Ile393Asn)

Gene: SLC12A3 (solute carrier family 12 member 3; plus strand). Cytogenetic location: 16q13.
Variant type: single nucleotide variant.
Coding change: c.1178T>A on transcript NM_001126108.2 (MANE Select); coding-DNA position 1178, T replaced by A.
Protein change: p.Ile393Asn; replaces isoleucine 393 with asparagine.
Molecular consequence: missense variant.
Genome position (GRCh38, 1-based): chr16:56,878,159, T>A. VCF-style: chr16-56878159-T-A. GRCh37 (hg19) VCF-style: chr16-56912071-T-A.
Other names: c.1178T>A, p.Ile393Asn (NM_000339.3); c.1175T>A, p.Ile392Asn (NM_001126107.2, NM_001410896.1); short protein forms I392N, I393N.
Identifiers: ClinVar variation 3254909 (VCV003254909.1), dbSNP rs1273882770.